The following is an entry in ClinVar:

ClinVar aggregate classification (germline): Uncertain significance (1 of 4 stars; one submission).

Conditions:
Hereditary cancer-predisposing syndrome. Also called: Tumor predisposition; Hereditary Cancer Syndrome; Hereditary neoplastic syndrome; Neoplastic Syndromes, Hereditary. Identifiers: Orphanet 140162, MedGen C0027672, MeSH D009386, MONDO:0015356.

Allele frequency attached by ClinVar (database versions not stated): gnomAD exomes below 0.00001; gnomAD 0.00001.
gnomAD v4.1: 2 of 1,614,046 alleles (0.00012%); highest among the groups gnomAD compares: Non-Finnish European, 0.00017%; no homozygotes.

Submission:

Ambry Genetics
Classification: Uncertain significance for Hereditary cancer-predisposing syndrome. Last evaluated: 2025-12-22. Review status: criteria provided, single submitter. Criteria: Ambry Variant Classification Scheme 2023. Collection method: clinical testing. Allele origin: germline.
Comment: The p.E258K variant (also known as c.772G>A), located in coding exon 7 of the EPCAM gene, results from a G to A substitution at nucleotide position 772. The glutamic acid at codon 258 is replaced by lysine, an amino acid with similar properties. This amino acid position is conserved. In addition, the in silico prediction for this alteration is inconclusive. Since supporting evidence is limited at this time, the clinical significance of this alteration remains unclear.

NM_002354.3(EPCAM):c.772G>A (p.Glu258Lys)

Gene: EPCAM (epithelial cell adhesion molecule; plus strand). Cytogenetic location: 2p21.
Variant type: single nucleotide variant.
Coding change: c.772G>A on transcript NM_002354.3 (MANE Select); coding-DNA position 772, G replaced by A.
Protein change: p.Glu258Lys; replaces glutamic acid 258 with lysine.
Molecular consequence: missense variant.
Genome position (GRCh38, 1-based): chr2:47,379,883, G>A. VCF-style: chr2-47379883-G-A. GRCh37 (hg19) VCF-style: chr2-47607022-G-A.
Other names: short protein forms E258K.
Identifiers: ClinVar variation 1760352 (VCV001760352.3), dbSNP rs1424085189, ClinGen allele CA346724701.